The following is an entry in ClinVar:

NM_006014.5(LAGE3):c.362T>C (p.Ile121Thr)

Gene: LAGE3 (L antigen family member 3; minus strand). Cytogenetic location: Xq28.
Variant type: single nucleotide variant.
Coding change: c.362T>C on transcript NM_006014.5 (MANE Select); coding-DNA position 362, T replaced by C.
Protein change: p.Ile121Thr; replaces isoleucine 121 with threonine.
Molecular consequence: missense variant.
Genome position (GRCh38, 1-based): chrX:154,478,014, A>G on the plus strand (T>C on the coding strand, the complement: LAGE3 is on the minus strand). VCF-style: chrX-154478014-A-G. GRCh37 (hg19) VCF-style: chrX-153706353-A-G.
Other names: short protein forms I121T.
Identifiers: ClinVar variation 721916 (VCV000721916.11), dbSNP rs146063259, ClinGen allele CA10565205.

ClinVar aggregate classification (germline): Benign/Likely benign. Review status: criteria provided, multiple submitters, no conflicts (2 of 4 stars). 3 submissions from 3 submitters: Benign (1); Likely benign (1). 1 of the submissions does not count toward it. Last evaluated 2026-01-15.

Conditions:
Galloway-Mowat syndrome 2, X-linked. Identifiers: MedGen C4538784, MONDO:0033006, OMIM 301006.
LAGE3-related disorder. Also called: LAGE3-related condition.

Allele frequency attached by ClinVar (database versions not stated): TOPMed 0.00012; gnomAD exomes 0.00026 and 0.00091; ExAC 0.00027; 1000 Genomes Project 30x 0.00187; 1000 Genomes Project 0.00238.
gnomAD v4.1: 1,002 of 1,211,198 alleles (0.083%); highest among the groups gnomAD compares: East Asian, 2.9%; 16 homozygotes.

Submissions (3):

Labcorp Genetics (formerly Invitae), Labcorp
Classification: Likely benign. Last evaluated: 2026-01-15. Review status: criteria provided, single submitter. Criteria: Invitae Variant Classification Sherloc (09022015). Collection method: clinical testing. Allele origin: germline.

Fulgent Genetics
Classification: Benign for Galloway-Mowat syndrome 2, X-linked. Last evaluated: 2022-03-16. Review status: criteria provided, single submitter. Criteria: ACMG Guidelines, 2015. Collection method: clinical testing. Allele origin: unknown.

PreventionGenetics, part of Exact Sciences
Classification: Likely benign for LAGE3-related condition. Last evaluated: 2023-08-30. Review status: no assertion criteria provided. Collection method: clinical testing. Allele origin: germline. Not counted in ClinVar's aggregate classification.
Comment: This variant is classified as likely benign based on ACMG/AMP sequence variant interpretation guidelines (Richards et al. 2015 PMID: 25741868, with internal and published modifications).